The following is an entry in ClinVar:

ClinVar aggregate classification (germline): Pathogenic. Review status: criteria provided, multiple submitters, no conflicts (2 of 4 stars). 5 submissions from 5 submitters: Pathogenic (4). 1 of the submissions does not count toward it. Last evaluated 2025-08-12.

Conditions:
Cowden syndrome 7 (CWS7). Identifiers: Orphanet 201, MedGen C4225179, MONDO:0014802, OMIM 616858.
Congenital dyserythropoietic anemia, type II (CDAN2). Also called: DYSERYTHROPOIETIC ANEMIA, HEMPAS TYPE. Identifiers: Orphanet 98873, MedGen C1306589, MONDO:0009134, OMIM 224100.

Allele frequency attached by ClinVar (database versions not stated): TOPMed 0.00001; ExAC 0.00002; gnomAD 0.00002 and 0.00003; gnomAD exomes 0.00002.
gnomAD v4.1: 36 of 1,614,030 alleles (0.0022%); highest among the groups gnomAD compares: South Asian, 0.0033%; no homozygotes.

Submissions (5):

Labcorp Genetics (formerly Invitae), Labcorp
Classification: Pathogenic for Congenital dyserythropoietic anemia, type II; Cowden syndrome 7. Last evaluated: 2025-08-12. Review status: criteria provided, single submitter. Criteria: Invitae Variant Classification Sherloc (09022015). Collection method: clinical testing. Allele origin: germline.
Comment: This sequence change creates a premature translational stop signal (p.Arg264*) in the SEC23B gene. It is expected to result in an absent or disrupted protein product. Loss-of-function variants in SEC23B are known to be pathogenic (PMID: 19561605, 25044164). This variant is present in population databases (rs121918224, gnomAD 0.004%). This premature translational stop signal has been observed in individual(s) with dyserythropoietic anemia (PMID: 19561605). ClinVar contains an entry for this variant (Variation ID: 1225). For these reasons, this variant has been classified as Pathogenic.

Revvity Omics, Revvity
Classification: Pathogenic. Last evaluated: 2024-07-11. Review status: criteria provided, single submitter. Criteria: ACMG Guidelines, 2015. Collection method: clinical testing. Allele origin: germline.

Fulgent Genetics
Classification: Pathogenic for Congenital dyserythropoietic anemia, type II; Cowden syndrome 7. Last evaluated: 2024-02-05. Review status: criteria provided, single submitter. Criteria: ACMG Guidelines, 2015. Collection method: clinical testing. Allele origin: germline.

CeGaT Center for Human Genetics Tuebingen
Classification: Pathogenic. Last evaluated: 2018-09-01. Review status: criteria provided, single submitter. Criteria: CeGaT Center For Human Genetics Tuebingen Variant Classification Criteria Version 2. Collection method: clinical testing. Allele origin: germline. Affected: yes. Observed: 2 variant alleles.

OMIM
Classification: Pathogenic for ANEMIA, CONGENITAL DYSERYTHROPOIETIC, TYPE II. Last evaluated: 2009-08-01. Review status: no assertion criteria provided. Collection method: literature only. Allele origin: germline. Not counted in ClinVar's aggregate classification.

Literature cited by the submitters: PubMed 19561605 (cited by Labcorp Genetics (formerly Invitae), Labcorp and OMIM); PubMed 25044164 (cited by Labcorp Genetics (formerly Invitae), Labcorp).

NM_006363.6(SEC23B):c.790C>T (p.Arg264Ter)

Gene: SEC23B (SEC23 homolog B, COPII component; plus strand). Cytogenetic location: 20p11.23.
Variant type: single nucleotide variant.
Coding change: c.790C>T on transcript NM_006363.6 (MANE Select); coding-DNA position 790, C replaced by T.
Protein change: p.Arg264Ter; replaces arginine 264 with a stop codon.
Molecular consequence: nonsense.
Genome position (GRCh38, 1-based): chr20:18,525,888, C>T. VCF-style: chr20-18525888-C-T. GRCh37 (hg19) VCF-style: chr20-18506532-C-T.
Other names: c.790C>T, p.Arg264Ter (NM_001172745.3, NM_032985.6, NM_032986.5); c.736C>T, p.Arg246Ter (NM_001172746.3); short protein forms R264*, R246*.
Identifiers: ClinVar variation 1225 (VCV000001225.51), dbSNP rs121918224, ClinGen allele CA114851.